The following is an entry in ClinVar:

NM_138386.3(NAF1):c.109G>C (p.Val37Leu)

Gene: NAF1 (nuclear assembly factor 1 ribonucleoprotein; minus strand). Cytogenetic location: 4q32.2.
Variant type: single nucleotide variant.
Coding change: c.109G>C on transcript NM_138386.3 (MANE Select); coding-DNA position 109, G replaced by C.
Protein change: p.Val37Leu; replaces valine 37 with leucine.
Molecular consequence: missense variant.
Genome position (GRCh38, 1-based): chr4:163,166,619, C>G on the plus strand (G>C on the coding strand, the complement: NAF1 is on the minus strand). VCF-style: chr4-163166619-C-G. GRCh37 (hg19) VCF-style: chr4-164087771-C-G.
Other names: c.109G>C, p.Val37Leu (NM_001128931.2); short protein forms V37L.
Identifiers: ClinVar variation 3660417 (VCV003660417.2).
Genomic context (GRCh38, chr4:163,166,619, plus strand): 5'-CGGTCTGCCCAGCGTCCGGGGACCCCTCAAACGACTGTAGCGGCGGCTGTGTCCCTGGCA[C>G]AGGGGCAGAGCCCGGAGACGGAGCCGCCGGACCTTCCCCAACTCCAAAGTCGGTGCCATT-3'
Protein context (NP_612395.2, residues 27-47): PAAPSPGSAP[Val37Leu]PGTQPPLQSF

ClinVar aggregate classification (germline): Uncertain significance (1 of 4 stars; one submission).

gnomAD v4.1: 1 of 1,611,330 alleles (0.000062%); no homozygotes.

Submission:

Labcorp Genetics (formerly Invitae), Labcorp
Classification: Uncertain significance. Last evaluated: 2025-11-03. Review status: criteria provided, single submitter. Criteria: Invitae Variant Classification Sherloc (09022015). Collection method: clinical testing. Allele origin: germline.
Comment: This sequence change replaces valine, which is neutral and non-polar, with leucine, which is neutral and non-polar, at codon 37 of the NAF1 protein (p.Val37Leu). This variant is present in population databases (no rsID available, gnomAD 0.006%). This variant has not been reported in the literature in individuals affected with NAF1-related conditions. ClinVar contains an entry for this variant (Variation ID: 3660417). An algorithm developed to predict the effect of missense changes on protein structure and function outputs the following: PolyPhen-2: "Benign". The leucine amino acid residue is found in multiple mammalian species, which suggests that this missense change does not adversely affect protein function. In summary, the available evidence is currently insufficient to determine the role of this variant in disease. Therefore, it has been classified as a Variant of Uncertain Significance.